The following is an entry in ClinVar:

ClinVar aggregate classification (germline): Uncertain significance (1 of 4 stars; one submission).

Conditions:
Familial cancer of breast. Also called: BREAST CANCER, FAMILIAL; Hereditary breast cancer; hereditary breast carcinoma. Identifiers: Orphanet 227535, MedGen C0346153, MONDO:0016419, OMIM 114480. Disease mechanism: loss of function.

Submission:

Labcorp Genetics (formerly Invitae), Labcorp
Classification: Uncertain significance for Familial cancer of breast. Last evaluated: 2025-08-29. Review status: criteria provided, single submitter. Criteria: Invitae Variant Classification Sherloc (09022015). Collection method: clinical testing. Allele origin: germline.
Comment: This sequence change replaces lysine, which is basic and polar, with asparagine, which is neutral and polar, at codon 774 of the PALB2 protein (p.Lys774Asn). This variant is not present in population databases (gnomAD no frequency). This variant has not been reported in the literature in individuals affected with PALB2-related conditions. Invitae Evidence Modeling of protein sequence and biophysical properties (such as structural, functional, and spatial information, amino acid conservation, physicochemical variation, residue mobility, and thermodynamic stability) indicates that this missense variant is expected to disrupt PALB2 protein function with a positive predictive value of 80%. In summary, the available evidence is currently insufficient to determine the role of this variant in disease. Therefore, it has been classified as a Variant of Uncertain Significance.

NM_024675.4(PALB2):c.2322A>C (p.Lys774Asn)

Gene: PALB2 (partner and localizer of BRCA2; minus strand). Cytogenetic location: 16p12.2.
Variant type: single nucleotide variant.
Coding change: c.2322A>C on transcript NM_024675.4 (MANE Select); coding-DNA position 2322, A replaced by C.
Protein change: p.Lys774Asn; replaces lysine 774 with asparagine.
Molecular consequence: missense variant. On other transcripts: intron variant (1).
Genome position (GRCh38, 1-based): chr16:23,629,832, T>G on the plus strand (A>C on the coding strand, the complement: PALB2 is on the minus strand). VCF-style: chr16-23629832-T-G. GRCh37 (hg19) VCF-style: chr16-23641153-T-G.
Other names: c.2262A>C, p.Lys754Asn (NM_001407296.1); c.2322A>C, p.Lys774Asn (NM_001407297.1, NM_001407298.1, NM_001407299.1 and 3 more transcripts); c.1437A>C, p.Lys479Asn (NM_001407304.1, NM_001407305.1, NM_001407306.1 and 5 more transcripts); c.534A>C, p.Lys178Asn (NM_001407312.1, NM_001407313.1); c.49-557A>C (NM_001407314.1); short protein forms K178N, K479N, K774N, K754N.
Identifiers: ClinVar variation 4740474 (VCV004740474.1).
Genomic context (GRCh38, chr16:23,629,832, plus strand): 5'-CCTGCCTGACACTTGCAGGGTGGTATGTGGTTTTGCTGGGCTGCCTGAACTGTCGAATTG[T>G]TTAGTATCACTGGCAAGACAGACTGAGTCTTTCAAATGAGCAAGTTGGGGTGTGCAGCAA-3'
Protein context (NP_078951.2, residues 764-784): KDSVCLASDT[Lys774Asn]QFDSSGSPAK